The following is an entry in ClinVar:

ClinVar aggregate classification (germline): Uncertain significance. Review status: criteria provided, multiple submitters, no conflicts (2 of 4 stars). 4 submissions from 4 submitters: Uncertain significance (4). Last evaluated 2025-11-19.

Conditions:
Ataxia-telangiectasia-like disorder (ATLD). Identifiers: MedGen C1858391, MONDO:0011457.
Hereditary cancer-predisposing syndrome. Also called: Tumor predisposition; Neoplastic Syndromes, Hereditary; Hereditary neoplastic syndrome; Hereditary Cancer Syndrome. Identifiers: Orphanet 140162, MedGen C0027672, MeSH D009386, MONDO:0015356.
Ataxia-telangiectasia-like disorder 1 (ATLD1). Identifiers: Orphanet 251347, MedGen C4012790, MONDO:0024557, OMIM 604391.

Allele frequency attached by ClinVar (database versions not stated): TOPMed below 0.00001.
gnomAD v4.1: 9 of 1,613,364 alleles (0.00056%); highest among the groups gnomAD compares: Non-Finnish European, 0.00076%; no homozygotes.

Submissions (4):

Ambry Genetics
Classification: Uncertain significance for Hereditary cancer-predisposing syndrome. Last evaluated: 2025-11-19. Review status: criteria provided, single submitter. Criteria: Ambry Variant Classification Scheme 2023. Collection method: clinical testing. Allele origin: germline.
Comment: The p.V38L variant (also known as c.112G>T), located in coding exon 2 of the MRE11A gene, results from a G to T substitution at nucleotide position 112. The valine at codon 38 is replaced by leucine, an amino acid with highly similar properties. This amino acid position is well conserved in available vertebrate species. In addition, this alteration is predicted to be tolerated by in silico analysis. Since supporting evidence is limited at this time, the clinical significance of this alteration remains unclear.

Labcorp Genetics (formerly Invitae), Labcorp
Classification: Uncertain significance for Ataxia-telangiectasia-like disorder. Last evaluated: 2024-02-24. Review status: criteria provided, single submitter. Criteria: Invitae Variant Classification Sherloc (09022015). Collection method: clinical testing. Allele origin: germline.
Comment: This sequence change replaces valine, which is neutral and non-polar, with leucine, which is neutral and non-polar, at codon 38 of the MRE11 protein (p.Val38Leu). This variant is not present in population databases (gnomAD no frequency). This variant has not been reported in the literature in individuals affected with MRE11-related conditions. ClinVar contains an entry for this variant (Variation ID: 186371). An algorithm developed to predict the effect of missense changes on protein structure and function (PolyPhen-2) suggests that this variant is likely to be tolerated. In summary, the available evidence is currently insufficient to determine the role of this variant in disease. Therefore, it has been classified as a Variant of Uncertain Significance.

Baylor Genetics
Classification: Uncertain significance for Ataxia-telangiectasia-like disorder 1. Last evaluated: 2023-06-22. Review status: criteria provided, single submitter. Criteria: ACMG Guidelines, 2015. Collection method: clinical testing. Allele origin: unknown.

Blueprint Genetics
Classification: Uncertain significance. Last evaluated: 2022-04-21. Review status: criteria provided, single submitter. Criteria: ACMG Guidelines, 2015. Collection method: clinical testing. Allele origin: germline.

NM_005591.4(MRE11):c.112G>T (p.Val38Leu)

Gene: MRE11 (MRE11 double strand break repair nuclease; minus strand). Cytogenetic location: 11q21.
Variant type: single nucleotide variant.
Coding change: c.112G>T on transcript NM_005591.4 (MANE Select); coding-DNA position 112, G replaced by T.
Protein change: p.Val38Leu; replaces valine 38 with leucine.
Molecular consequence: missense variant.
Genome position (GRCh38, 1-based): chr11:94,490,874, C>A on the plus strand (G>T on the coding strand, the complement: MRE11 is on the minus strand). VCF-style: chr11-94490874-C-A. GRCh37 (hg19) VCF-style: chr11-94224040-C-A.
Other names: c.112G>T, p.Val38Leu (NM_001330347.2, NM_005590.4); short protein forms V38L.
Identifiers: ClinVar variation 186371 (VCV000186371.16), dbSNP rs786202896, ClinGen allele CA194640.